The following is an entry in ClinVar:

NM_001533.3(HNRNPL):c.1416C>T (p.Cys472=)

Gene: HNRNPL (heterogeneous nuclear ribonucleoprotein L; minus strand). Cytogenetic location: 19q13.2.
Variant type: single nucleotide variant.
Coding change: c.1416C>T on transcript NM_001533.3 (MANE Select); coding-DNA position 1416, C replaced by T.
Protein change: p.Cys472=; no amino-acid change (cysteine 472 retained).
Molecular consequence: synonymous variant.
Genome position (GRCh38, 1-based): chr19:38,838,538, G>A on the plus strand (C>T on the coding strand, the complement: HNRNPL is on the minus strand). VCF-style: chr19-38838538-G-A. GRCh37 (hg19) VCF-style: chr19-39329178-G-A.
Other names: c.1017C>T, p.Cys339= (NM_001005335.2); c.1527C>T, p.Cys509= (NM_001385651.1).
Identifiers: ClinVar variation 2649822 (VCV002649822.24), dbSNP rs117096324, ClinGen allele CA9420571.

ClinVar aggregate classification (germline): Likely benign (1 of 4 stars; one submission).

Allele frequency attached by ClinVar (database versions not stated): ExAC 0.00057; gnomAD 0.00068; ESP Exome Variant Server 0.00077; 1000 Genomes Project 30x 0.00078; TOPMed 0.00083; 1000 Genomes Project 0.00100.
gnomAD v4.1: 1,263 of 1,614,140 alleles (0.078%); highest among the groups gnomAD compares: Non-Finnish European, 0.095%; 1 homozygote.

Submission:

CeGaT Center for Human Genetics Tuebingen
Classification: Likely benign. Last evaluated: 2022-10-01. Review status: criteria provided, single submitter. Criteria: CeGaT Center For Human Genetics Tuebingen Variant Classification Criteria Version 2. Collection method: clinical testing. Allele origin: germline. Affected: yes. Observed: 1 variant allele.
Comment: HNRNPL: BP4, BS2